The following is an entry in ClinVar:

NM_001098.3(ACO2):c.1954-171C>T

Genes: ACO2 (aconitase 2; plus strand), POLR3H (RNA polymerase III subunit H; minus strand). Cytogenetic location: 22q13.2.
Variant type: single nucleotide variant.
Coding change: c.1954-171C>T on transcript NM_001098.3 (MANE Select); 171 bases into the intron before coding-DNA position 1954, C replaced by T.
Molecular consequence: intron variant. On other transcripts: 3 prime UTR variant (5).
Genome position (GRCh38, 1-based): chr22:41,527,117, C>T. VCF-style: chr22-41527117-C-T. GRCh37 (hg19) VCF-style: chr22-41923121-C-T.
Other names: c.*2166G>A (NM_001018050.4, NM_001018052.4, NM_001282884.2 and 2 more transcripts).
Identifiers: ClinVar variation 680077 (VCV000680077.3), dbSNP rs62236521, ClinGen allele CA324583098.

ClinVar aggregate classification (germline): Likely benign. Review status: criteria provided, multiple submitters, no conflicts (2 of 4 stars). 2 submissions from 2 submitters: Likely benign (2). Last evaluated 2018-06-16.

Allele frequency attached by ClinVar (database versions not stated): 1000 Genomes Project 30x 0.00687; 1000 Genomes Project 0.00779; gnomAD 0.01769 and 0.01843; TOPMed 0.01823.
gnomAD v4.1: 21,610 of 951,162 alleles (2.3%); highest among the groups gnomAD compares: Non-Finnish European, 2.9%; 339 homozygotes.

Submissions (2):

GeneDx
Classification: Likely benign. Last evaluated: 2018-06-16. Review status: criteria provided, single submitter. Criteria: GeneDx Variant Classification (06012015). Collection method: clinical testing. Allele origin: germline. Affected: yes.
Comment: This variant is considered likely benign or benign based on one or more of the following criteria: it is a conservative change, it occurs at a poorly conserved position in the protein, it is predicted to be benign by multiple in silico algorithms, and/or has population frequency not consistent with disease.

Breakthrough Genomics
Classification: Likely benign. Review status: criteria provided, single submitter. Criteria: ACMG Guidelines, 2015. Collection method: not provided. Allele origin: germline. Inheritance: Autosomal recessive inheritance. Affected: yes.